The following is an entry in ClinVar:

NM_173689.7(CRB2):c.1A>G (p.Met1Val)

Gene: CRB2 (crumbs cell polarity complex component 2; plus strand). Cytogenetic location: 9q33.3.
Variant type: single nucleotide variant.
Coding change: c.1A>G on transcript NM_173689.7 (MANE Select); coding-DNA position 1, A replaced by G.
Protein change: p.Met1Val; changes the start codon (methionine 1).
Molecular consequence: missense variant, initiator codon variant.
Genome position (GRCh38, 1-based): chr9:123,356,261, A>G. VCF-style: chr9-123356261-A-G. GRCh37 (hg19) VCF-style: chr9-126118540-A-G.
Other names: short protein forms M1V.
Identifiers: ClinVar variation 1485449 (VCV001485449.4), dbSNP rs1168760769, ClinGen allele CA374850611.

ClinVar aggregate classification (germline): Uncertain significance (1 of 4 stars; one submission).

Allele frequency attached by ClinVar (database versions not stated): gnomAD 0.00001.

Submission:

Labcorp Genetics (formerly Invitae), Labcorp
Classification: Uncertain significance. Last evaluated: 2021-07-23. Review status: criteria provided, single submitter. Criteria: Invitae Variant Classification Sherloc (09022015). Collection method: clinical testing. Allele origin: germline.
Comment: The frequency data for this variant in the population databases is considered unreliable, as metrics indicate insufficient coverage at this position in the ExAC database. This sequence change affects the initiator methionine of the CRB2 mRNA. The next in-frame methionine is located at codon 66. This variant has not been reported in the literature in individuals affected with CRB2-related conditions. In summary, the available evidence is currently insufficient to determine the role of this variant in disease. Therefore, it has been classified as a Variant of Uncertain Significance. Experimental studies and prediction algorithms are not available or were not evaluated, and the functional significance of this variant is currently unknown.